The following is an entry in ClinVar:

NM_017849.4(TMEM127):c.393C>T (p.Phe131=)

Gene: TMEM127 (transmembrane protein 127; minus strand). Cytogenetic location: 2q11.2.
Variant type: single nucleotide variant.
Coding change: c.393C>T on transcript NM_017849.4 (MANE Select); coding-DNA position 393, C replaced by T.
Protein change: p.Phe131=; no amino-acid change (phenylalanine 131 retained).
Molecular consequence: synonymous variant.
Genome position (GRCh38, 1-based): chr2:96,254,849, G>A on the plus strand (C>T on the coding strand, the complement: TMEM127 is on the minus strand). VCF-style: chr2-96254849-G-A. GRCh37 (hg19) VCF-style: chr2-96920587-G-A.
Other names: c.393C>T, p.Phe131= (NM_001193304.3).
Identifiers: ClinVar variation 463845 (VCV000463845.19), dbSNP rs756680897, ClinGen allele CA1777334.

ClinVar aggregate classification (germline): Benign/Likely benign. Review status: criteria provided, multiple submitters, no conflicts (2 of 4 stars). 4 submissions from 4 submitters: Benign (1); Likely benign (3). Last evaluated 2026-07-30.

Conditions:
Hereditary pheochromocytoma and paraganglioma. Also called: Hereditary Paraganglioma-Pheochromocytoma Syndromes; Hereditary paragangliomas and pheochromocytomas; Hereditary pheochromocytoma-paraganglioma. Identifiers: Orphanet 29072, MedGen C4274332, MONDO:0017366.
Hereditary cancer-predisposing syndrome. Also called: Hereditary Cancer Syndrome; Hereditary neoplastic syndrome; Neoplastic Syndromes, Hereditary; Tumor predisposition. Identifiers: Orphanet 140162, MedGen C0027672, MeSH D009386, MONDO:0015356.

Allele frequency attached by ClinVar (database versions not stated): TOPMed below 0.00001; ExAC 0.00007; gnomAD exomes 0.00003 and 0.00008; gnomAD 0.00003 and 0.00004.
gnomAD v4.1: 47 of 1,614,036 alleles (0.0029%); highest among the groups gnomAD compares: South Asian, 0.031%; 1 homozygote.

Submissions (4):

Myriad Genetics, Inc.
Classification: Benign for Hereditary pheochromocytoma and paraganglioma. Last evaluated: 2026-07-30. Review status: criteria provided, single submitter. Criteria: Myriad Autosomal Dominant, Autosomal Recessive and X-Linked Classification Criteria (2023). Collection method: clinical testing. Allele origin: unknown.
Comment: This variant is considered benign. This variant is a silent/synonymous amino acid change and it is not expected to impact splicing.

Labcorp Genetics (formerly Invitae), Labcorp
Classification: Likely benign for Hereditary pheochromocytoma and paraganglioma. Last evaluated: 2025-12-13. Review status: criteria provided, single submitter. Criteria: Invitae Variant Classification Sherloc (09022015). Collection method: clinical testing. Allele origin: germline.

Blueprint Genetics
Classification: Likely benign. Last evaluated: 2024-07-10. Review status: criteria provided, single submitter. Criteria: ACMG Guidelines, 2015. Collection method: clinical testing. Allele origin: germline.

Ambry Genetics
Classification: Likely benign for Hereditary cancer-predisposing syndrome. Last evaluated: 2019-10-18. Review status: criteria provided, single submitter. Criteria: Ambry Variant Classification Scheme 2023. Collection method: clinical testing. Allele origin: germline.